The following is an entry in ClinVar:

ClinVar aggregate classification (germline): Uncertain significance (1 of 4 stars; one submission).

Conditions:
Inborn genetic diseases. Identifiers: MedGen C0950123, MeSH D030342.

Submission:

Ambry Genetics
Classification: Uncertain significance for Inborn genetic diseases. Last evaluated: 2025-05-14. Review status: criteria provided, single submitter. Criteria: Ambry Variant Classification Scheme 2023. Collection method: clinical testing. Allele origin: germline.
Comment: The p.H555Y variant (also known as c.1663C>T), located in coding exon 11 of the MIB1 gene, results from a C to T substitution at nucleotide position 1663. The histidine at codon 555 is replaced by tyrosine, an amino acid with similar properties. This amino acid position is conserved. In addition, the in silico prediction for this alteration is inconclusive. Based on the available evidence, the clinical significance of this variant remains unclear.

NM_020774.4(MIB1):c.1663C>T (p.His555Tyr)

Gene: MIB1 (MIB E3 ubiquitin protein ligase 1; plus strand). Cytogenetic location: 18q11.2.
Variant type: single nucleotide variant.
Coding change: c.1663C>T on transcript NM_020774.4 (MANE Select); coding-DNA position 1663, C replaced by T.
Protein change: p.His555Tyr; replaces histidine 555 with tyrosine.
Molecular consequence: missense variant.
Genome position (GRCh38, 1-based): chr18:21,815,799, C>T. VCF-style: chr18-21815799-C-T. GRCh37 (hg19) VCF-style: chr18-19395760-C-T.
Other names: short protein forms H555Y.
Identifiers: ClinVar variation 4054651 (VCV004054651.1).
Genomic context (GRCh38, chr18:21,815,799, plus strand): 5'-CATATTGCTGTCAATAAAGGTCATCTTCAAGTTGTGAAGACTTTATTGGACTTTGGCTGT[C>T]ATCCCAGTCTCCAGGTAAAACCTTTAAAGAAACACATCCTGCAGGTATTGCTAGGATCCT-3'
Protein context (NP_065825.1, residues 545-565): VVKTLLDFGC[His555Tyr]PSLQDSEGDT